The following is an entry in ClinVar:

NM_005188.4(CBL):c.1813T>G (p.Ser605Ala)

Gene: CBL (Cbl proto-oncogene; plus strand). Cytogenetic location: 11q23.3.
Variant type: single nucleotide variant.
Coding change: c.1813T>G on transcript NM_005188.4 (MANE Select); coding-DNA position 1813, T replaced by G.
Protein change: p.Ser605Ala; replaces serine 605 with alanine.
Molecular consequence: missense variant.
Genome position (GRCh38, 1-based): chr11:119,285,438, T>G. VCF-style: chr11-119285438-T-G. GRCh37 (hg19) VCF-style: chr11-119156148-T-G.
Other names: short protein forms S605A.
Identifiers: ClinVar variation 4613838 (VCV004613838.1).
Genomic context (GRCh38, chr11:119,285,438, plus strand): 5'-CGCCTTGGAGACTCATGGCTGCCCCGGCCAATCCCCAAAGTACCAGTATCTGCCCCAAGT[T>G]CCAGTGATCCCTGGACAGGAAGAGAATTAACCAACCGGCACTCACTTCCATTTTCATTGC-3'
Protein context (NP_005179.2, residues 595-615): IPKVPVSAPS[Ser605Ala]SDPWTGRELT

ClinVar aggregate classification (germline): Uncertain significance (1 of 4 stars; one submission).

Conditions:
Cardiovascular phenotype. Identifiers: MedGen CN230736.

gnomAD v4.1: 1 of 1,614,132 alleles (0.000062%); highest among the groups gnomAD compares: African/African-American, 0.0013%; no homozygotes.

Submission:

Ambry Genetics
Classification: Uncertain significance for Cardiovascular phenotype. Last evaluated: 2025-10-15. Review status: criteria provided, single submitter. Criteria: Ambry Variant Classification Scheme 2023. Collection method: clinical testing. Allele origin: germline.
Comment: The p.S605A variant (also known as c.1813T>G), located in coding exon 11 of the CBL gene, results from a T to G substitution at nucleotide position 1813. The serine at codon 605 is replaced by alanine, an amino acid with similar properties. This amino acid position is conserved. In addition, this alteration is predicted to be tolerated by in silico analysis. Based on the available evidence, the clinical significance of this variant remains unclear.